The following is an entry in ClinVar:

ClinVar aggregate classification (germline): Uncertain significance. Review status: criteria provided, multiple submitters, no conflicts (2 of 4 stars). 2 submissions from 2 submitters: Uncertain significance (2). Last evaluated 2025-11-22.

Conditions:
Hypertrophic cardiomyopathy 1 (CMH1). Also called: MYH7-Related Familial Hypertrophic Cardiomyopathy; Familial hypertrophic cardiomyopathy 1. Identifiers: MedGen C3495498, MONDO:0008647, OMIM 192600.

Allele frequency attached by ClinVar (database versions not stated): gnomAD exomes below 0.00001.

Submissions (2):

Ambry Genetics
Classification: Uncertain significance. Last evaluated: 2025-11-22. Review status: criteria provided, single submitter. Criteria: Ambry Variant Classification Scheme 2023. Collection method: clinical testing. Allele origin: germline.
Comment: The p.E330G variant (also known as c.989A>G), located in coding exon 6 of the MYLK2 gene, results from an A to G substitution at nucleotide position 989. The glutamic acid at codon 330 is replaced by glycine, an amino acid with similar properties. This amino acid position is conserved. In addition, this alteration is predicted to be deleterious by in silico analysis. Since supporting evidence is limited at this time, the clinical significance of this alteration remains unclear.

Labcorp Genetics (formerly Invitae), Labcorp
Classification: Uncertain significance for Hypertrophic cardiomyopathy 1. Last evaluated: 2022-09-09. Review status: criteria provided, single submitter. Criteria: Invitae Variant Classification Sherloc (09022015). Collection method: clinical testing. Allele origin: germline.
Comment: This sequence change replaces glutamic acid, which is acidic and polar, with glycine, which is neutral and non-polar, at codon 330 of the MYLK2 protein (p.Glu330Gly). This variant is not present in population databases (gnomAD no frequency). This variant has not been reported in the literature in individuals affected with MYLK2-related conditions. Advanced modeling of protein sequence and biophysical properties (such as structural, functional, and spatial information, amino acid conservation, physicochemical variation, residue mobility, and thermodynamic stability) performed at Invitae indicates that this missense variant is expected to disrupt MYLK2 protein function. In summary, the available evidence is currently insufficient to determine the role of this variant in disease. Therefore, it has been classified as a Variant of Uncertain Significance.

NM_033118.4(MYLK2):c.989A>G (p.Glu330Gly)

Gene: MYLK2 (myosin light chain kinase 2; plus strand). Cytogenetic location: 20q11.21.
Variant type: single nucleotide variant.
Coding change: c.989A>G on transcript NM_033118.4 (MANE Select); coding-DNA position 989, A replaced by G.
Protein change: p.Glu330Gly; replaces glutamic acid 330 with glycine.
Molecular consequence: missense variant.
Genome position (GRCh38, 1-based): chr20:31,826,621, A>G. VCF-style: chr20-31826621-A-G. GRCh37 (hg19) VCF-style: chr20-30414424-A-G.
Other names: short protein forms E330G.
Identifiers: ClinVar variation 1768512 (VCV001768512.8), dbSNP rs2515456876, ClinGen allele CA408526849.